The following is an entry in ClinVar:

NM_007294.4(BRCA1):c.3044G>A (p.Gly1015Glu)

Gene: BRCA1 (BRCA1 DNA repair associated; minus strand). Cytogenetic location: 17q21.31.
Variant type: single nucleotide variant.
Coding change: c.3044G>A on transcript NM_007294.4 (MANE Select); coding-DNA position 3044, G replaced by A.
Protein change: p.Gly1015Glu; replaces glycine 1015 with glutamic acid.
Molecular consequence: missense variant. On other transcripts: intron variant (137).
Genome position (GRCh38, 1-based): chr17:43,092,487, C>T on the plus strand (G>A on the coding strand, the complement: BRCA1 is on the minus strand). VCF-style: chr17-43092487-C-T. GRCh37 (hg19) VCF-style: chr17-41244504-C-T.
Other names: c.578-1455G>A (NM_001408480.1, NM_001408481.1, NM_001408492.1 and 9 more transcripts); c.3044G>A, p.Gly1015Glu (NM_001407581.1, NM_001407582.1, NM_001407583.1 and 30 more transcripts); c.779-1455G>A (NM_001408408.1); c.662-1455G>A (NM_001408446.1, NM_001408435.1, NM_001408448.1 and 6 more transcripts); c.785-1455G>A (NM_001408401.1, NM_001408396.1, NM_001407985.1 and 13 more transcripts); c.3041G>A, p.Gly1014Glu (NM_001407587.1, NM_001407591.1, NM_001407590.1 and 22 more transcripts); c.548-1455G>A (NM_001408494.1); c.788-1455G>A (NM_007299.4, NM_001408404.1, NM_001408472.1 and 17 more transcripts); and 41 more; short protein forms G887E, G888E, G947E, G968E, G973E, G1015E, G847E, G927E.
Identifiers: ClinVar variation 2756710 (VCV002756710.4), dbSNP rs2154345567, ClinGen allele CA10595903.
Genomic context (GRCh38, chr17:43,092,487, plus strand): 5'-ACATTTTCTCTAATGTTATTACGGCTAATTGTGCTCACTGTACTTGGAATGTTCTCATTT[C>T]CCATTTCTCTTTCAGGTGACATTGAATGTTCCTCAAAGTTTTCCTCTAGCAGATTTTTCT-3'
Protein context (NP_009225.1, residues 1005-1025): EHSMSPEREM[Gly1015Glu]NENIPSTVST

ClinVar aggregate classification (germline): Uncertain significance. Review status: criteria provided, multiple submitters, no conflicts (2 of 4 stars). 2 submissions from 2 submitters: Uncertain significance (2). Last evaluated 2023-11-18.

Conditions:
Hereditary cancer-predisposing syndrome. Also called: Neoplastic Syndromes, Hereditary; Hereditary Cancer Syndrome; Hereditary neoplastic syndrome; Tumor predisposition. Identifiers: Orphanet 140162, MedGen C0027672, MeSH D009386, MONDO:0015356.
Hereditary breast ovarian cancer syndrome. Also called: Hereditary breast and ovarian cancer syndrome (HBOC); Hereditary breast and/or ovarian cancer syndrome; Hereditary breast and ovarian cancer syndrome; Breast and ovarian cancer; Hereditary breast and ovarian cancer; BRCA1- and BRCA2-Associated Hereditary Breast and Ovarian Cancer. Identifiers: Orphanet 145, MedGen C0677776, MeSH D061325, MONDO:0003582. Disease mechanism: loss of function.

Allele frequency attached by ClinVar (database versions not stated): gnomAD exomes below 0.00001.
gnomAD v4.1: 1 of 1,613,896 alleles (0.000062%); highest among the groups gnomAD compares: Non-Finnish European, 0.000085%; no homozygotes.

Submissions (2):

Ambry Genetics
Classification: Uncertain significance for Hereditary cancer-predisposing syndrome. Last evaluated: 2023-11-18. Review status: criteria provided, single submitter. Criteria: Ambry Variant Classification Scheme 2023. Collection method: clinical testing. Allele origin: germline.
Comment: The p.G1015E variant (also known as c.3044G>A), located in coding exon 9 of the BRCA1 gene, results from a G to A substitution at nucleotide position 3044. The glycine at codon 1015 is replaced by glutamic acid, an amino acid with similar properties. This amino acid position is not well conserved in available vertebrate species. In addition, this alteration is predicted to be tolerated by in silico analysis. Since supporting evidence is limited at this time, the clinical significance of this alteration remains unclear.

Labcorp Genetics (formerly Invitae), Labcorp
Classification: Uncertain significance for Hereditary breast ovarian cancer syndrome. Last evaluated: 2023-06-02. Review status: criteria provided, single submitter. Criteria: Invitae Variant Classification Sherloc (09022015). Collection method: clinical testing. Allele origin: germline.
Comment: In summary, the available evidence is currently insufficient to determine the role of this variant in disease. Therefore, it has been classified as a Variant of Uncertain Significance. Advanced modeling of protein sequence and biophysical properties (such as structural, functional, and spatial information, amino acid conservation, physicochemical variation, residue mobility, and thermodynamic stability) performed at Invitae indicates that this missense variant is not expected to disrupt BRCA1 protein function. This variant has not been reported in the literature in individuals affected with BRCA1-related conditions. This variant is not present in population databases (gnomAD no frequency). This sequence change replaces glycine, which is neutral and non-polar, with glutamic acid, which is acidic and polar, at codon 1015 of the BRCA1 protein (p.Gly1015Glu).